The following is an entry in ClinVar:

ClinVar aggregate classification (germline): Uncertain significance (1 of 4 stars; one submission).

Allele frequency attached by ClinVar (database versions not stated): gnomAD exomes 0.00001; TOPMed 0.00001.
gnomAD v4.1: 16 of 1,607,518 alleles (0.001%); highest among the groups gnomAD compares: Non-Finnish European, 0.0012%; no homozygotes.

Submission:

CeGaT Center for Human Genetics Tuebingen
Classification: Uncertain significance. Last evaluated: 2023-11-01. Review status: criteria provided, single submitter. Criteria: CeGaT Center For Human Genetics Tuebingen Variant Classification Criteria Version 2. Collection method: clinical testing. Allele origin: germline. Affected: yes. Observed: 1 variant allele.
Comment: RIPOR2: PM2, BP4

NM_001286445.3(RIPOR2):c.651+4T>C

Gene: RIPOR2 (RHO family interacting cell polarization regulator 2; minus strand). Cytogenetic location: 6p22.3.
Variant type: single nucleotide variant.
Coding change: c.651+4T>C on transcript NM_001286445.3 (MANE Select); 4 bases into the intron after coding-DNA position 651, T replaced by C.
Molecular consequence: intron variant.
Genome position (GRCh38, 1-based): chr6:24,865,297, A>G on the plus strand (T>C on the coding strand, the complement: RIPOR2 is on the minus strand). VCF-style: chr6-24865297-A-G. GRCh37 (hg19) VCF-style: chr6-24865525-A-G.
Other names: c.564+4T>C (NM_001346031.2, NM_014722.5, NM_001346032.2 and 2 more transcripts); c.666+4T>C (NM_001286446.3).
Identifiers: ClinVar variation 2673045 (VCV002673045.23), dbSNP rs1481827305, ClinGen allele CA565940495.